The following is an entry in ClinVar:

NM_032119.4(ADGRV1):c.5927A>T (p.Tyr1976Phe)

Gene: ADGRV1 (adhesion G protein-coupled receptor V1; plus strand). Cytogenetic location: 5q14.3.
Variant type: single nucleotide variant.
Coding change: c.5927A>T on transcript NM_032119.4 (MANE Select); coding-DNA position 5927, A replaced by T.
Protein change: p.Tyr1976Phe; replaces tyrosine 1976 with phenylalanine.
Molecular consequence: missense variant. On other transcripts: non-coding transcript variant (1).
Genome position (GRCh38, 1-based): chr5:90,683,848, A>T. VCF-style: chr5-90683848-A-T. GRCh37 (hg19) VCF-style: chr5-89979665-A-T.
Other names: short protein forms Y1976F.
Identifiers: ClinVar variation 1942275 (VCV001942275.5), dbSNP rs1317686063, ClinGen allele CA360413746.
Genomic context (GRCh38, chr5:90,683,848, plus strand): 5'-GTGGTTCTTTGGGAGCTCATATTAATGCCACGTTAACAGTTTTGGCTAGTGATGATCCAT[A>T]TGGGATATTCATTTTTTCTGAGAAAAACAGACCTGTTAAAGTTGAGGAAGCAACCCAGAA-3'
Protein context (NP_115495.3, residues 1966-1986): TLTVLASDDP[Tyr1976Phe]GIFIFSEKNR

ClinVar aggregate classification (germline): Uncertain significance (1 of 4 stars; one submission).

gnomAD v4.1: 1 of 1,613,720 alleles (0.000062%); highest among the groups gnomAD compares: Non-Finnish European, 0.000085%; no homozygotes.

Submission:

Labcorp Genetics (formerly Invitae), Labcorp
Classification: Uncertain significance. Last evaluated: 2022-05-05. Review status: criteria provided, single submitter. Criteria: Invitae Variant Classification Sherloc (09022015). Collection method: clinical testing. Allele origin: germline.
Comment: In summary, the available evidence is currently insufficient to determine the role of this variant in disease. Therefore, it has been classified as a Variant of Uncertain Significance. Algorithms developed to predict the effect of missense changes on protein structure and function output the following: SIFT: "Tolerated"; PolyPhen-2: "Benign"; Align-GVGD: "Class C0". The phenylalanine amino acid residue is found in multiple mammalian species, which suggests that this missense change does not adversely affect protein function. This variant has not been reported in the literature in individuals affected with ADGRV1-related conditions. This variant is not present in population databases (gnomAD no frequency). This sequence change replaces tyrosine, which is neutral and polar, with phenylalanine, which is neutral and non-polar, at codon 1976 of the ADGRV1 protein (p.Tyr1976Phe).